The following is an entry in ClinVar:

NM_000466.3(PEX1):c.487G>C (p.Ala163Pro)

Gene: PEX1 (peroxisomal biogenesis factor 1; minus strand). Cytogenetic location: 7q21.2.
Variant type: single nucleotide variant.
Coding change: c.487G>C on transcript NM_000466.3 (MANE Select); coding-DNA position 487, G replaced by C.
Protein change: p.Ala163Pro; replaces alanine 163 with proline.
Molecular consequence: missense variant. On other transcripts: 5 prime UTR variant (1).
Genome position (GRCh38, 1-based): chr7:92,518,028, C>G on the plus strand (G>C on the coding strand, the complement: PEX1 is on the minus strand). VCF-style: chr7-92518028-C-G. GRCh37 (hg19) VCF-style: chr7-92147342-C-G.
Other names: c.487G>C (NM_000466.2); c.487G>C, p.Ala163Pro (NM_001282677.2); c.-138G>C (NM_001282678.2); short protein forms A163P.
Identifiers: ClinVar variation 1397968 (VCV001397968.7), dbSNP rs750376002, ClinGen allele CA4341585.

ClinVar aggregate classification (germline): Uncertain significance. Review status: criteria provided, multiple submitters, no conflicts (2 of 4 stars). 2 submissions from 2 submitters: Uncertain significance (2). Last evaluated 2025-08-28.

Conditions:
Zellweger spectrum disorders (ZS). Also called: Zellweger syndrome; Zellweger Spectrum Disorder (ZSD); Zellweger Spectrum Disorder; Zellweger Spectrum. Identifiers: Orphanet 912, MedGen C0043459, MONDO:0019609.
Inborn genetic diseases. Identifiers: MedGen C0950123, MeSH D030342.

Allele frequency attached by ClinVar (database versions not stated): gnomAD exomes below 0.00001; TOPMed below 0.00001; ExAC 0.00001.
gnomAD v4.1: 2 of 1,614,122 alleles (0.00012%); highest among the groups gnomAD compares: Middle Eastern, 0.016%; no homozygotes.

Submissions (2):

Ambry Genetics
Classification: Uncertain significance for Inborn genetic diseases. Last evaluated: 2025-08-28. Review status: criteria provided, single submitter. Criteria: Ambry Variant Classification Scheme 2023. Collection method: clinical testing. Allele origin: germline.

Labcorp Genetics (formerly Invitae), Labcorp
Classification: Uncertain significance for Zellweger spectrum disorders. Last evaluated: 2021-10-14. Review status: criteria provided, single submitter. Criteria: Invitae Variant Classification Sherloc (09022015). Collection method: clinical testing. Allele origin: germline.
Comment: In summary, the available evidence is currently insufficient to determine the role of this variant in disease. Therefore, it has been classified as a Variant of Uncertain Significance. Algorithms developed to predict the effect of missense changes on protein structure and function output the following: SIFT: "Tolerated"; PolyPhen-2: "Benign"; Align-GVGD: "Class C0". The proline amino acid residue is found in multiple mammalian species, which suggests that this missense change does not adversely affect protein function. This variant has not been reported in the literature in individuals affected with PEX1-related conditions. This variant is present in population databases (rs750376002, ExAC 0.002%). This sequence change replaces alanine with proline at codon 163 of the PEX1 protein (p.Ala163Pro). The alanine residue is weakly conserved and there is a small physicochemical difference between alanine and proline.